The following is an entry in ClinVar:

ClinVar aggregate classification (germline): Uncertain significance (1 of 4 stars; one submission).

gnomAD v4.1: 1 of 1,613,338 alleles (0.000062%); highest among the groups gnomAD compares: African/African-American, 0.0013%; no homozygotes.

Submission:

Labcorp Genetics (formerly Invitae), Labcorp
Classification: Uncertain significance. Last evaluated: 2025-09-24. Review status: criteria provided, single submitter. Criteria: Invitae Variant Classification Sherloc (09022015). Collection method: clinical testing. Allele origin: germline.
Comment: This sequence change replaces threonine, which is neutral and polar, with alanine, which is neutral and non-polar, at codon 260 of the JAK2 protein (p.Thr260Ala). This variant is not present in population databases (gnomAD no frequency). This variant has not been reported in the literature in individuals affected with JAK2-related conditions. Invitae Evidence Modeling of protein sequence and biophysical properties (such as structural, functional, and spatial information, amino acid conservation, physicochemical variation, residue mobility, and thermodynamic stability) indicates that this missense variant is not expected to disrupt JAK2 protein function with a negative predictive value of 80%. In summary, the available evidence is currently insufficient to determine the role of this variant in disease. Therefore, it has been classified as a Variant of Uncertain Significance.

NM_004972.4(JAK2):c.778A>G (p.Thr260Ala)

Genes: INSL6 (insulin like 6; minus strand), JAK2 (Janus kinase 2; plus strand). Cytogenetic location: 9p24.1.
Variant type: single nucleotide variant.
Coding change: c.778A>G on transcript NM_004972.4 (MANE Select); coding-DNA position 778, A replaced by G.
Protein change: p.Thr260Ala; replaces threonine 260 with alanine.
Molecular consequence: missense variant. On other transcripts: 5 prime UTR variant (2), non-coding transcript variant (2).
Genome position (GRCh38, 1-based): chr9:5,054,726, A>G. VCF-style: chr9-5054726-A-G. GRCh37 (hg19) VCF-style: chr9-5054726-A-G.
Other names: c.778A>G, p.Thr260Ala (NM_001322194.2, NM_001322195.2, NM_001322196.2); c.-343A>G (NM_001322198.2, NM_001322199.2); c.331A>G, p.Thr111Ala (NM_001322204.2); short protein forms T111A, T260A.
Identifiers: ClinVar variation 4743829 (VCV004743829.1).